The following is an entry in ClinVar:

ClinVar aggregate classification (germline): Likely pathogenic (1 of 4 stars; one submission).

Conditions:
Ellis-van Creveld syndrome (EVC). Also called: EVC-Related Ellis-van Creveld Syndrome; EVC2-Related Ellis-van Creveld Syndrome; MESOECTODERMAL DYSPLASIA; Chondroectodermal dysplasia. Identifiers: Orphanet 289, MedGen C0013903, MONDO:0009162, OMIM 225500.
Curry-Hall syndrome (WAD). Also called: WEYERS ACRODENTAL DYSOSTOSIS. Identifiers: Orphanet 952, MedGen C0457013, MONDO:0008673, OMIM 193530.

Submission:

Labcorp Genetics (formerly Invitae), Labcorp
Classification: Likely pathogenic for Curry-Hall syndrome; Ellis-van Creveld syndrome. Last evaluated: 2020-12-20. Review status: criteria provided, single submitter. Criteria: Invitae Variant Classification Sherloc (09022015). Collection method: clinical testing. Allele origin: germline.
Comment: Algorithms developed to predict the effect of sequence changes on RNA splicing suggest that this variant may disrupt the consensus splice site, but this prediction has not been confirmed by published transcriptional studies. In summary, the currently available evidence indicates that the variant is pathogenic, but additional data are needed to prove that conclusively. Therefore, this variant has been classified as Likely Pathogenic. This variant has not been reported in the literature in individuals with EVC-related conditions. This variant is not present in population databases (ExAC no frequency). This sequence change affects a donor splice site in intron 14 of the EVC gene. It is expected to disrupt RNA splicing. Variants that disrupt the donor or acceptor splice site typically lead to a loss of protein function (PMID: 16199547), and loss-of-function variants in EVC are known to be pathogenic (PMID: 23220543).

Literature cited by the submitters: PubMed 16199547; PubMed 23220543.

NM_153717.3(EVC):c.2097+2del

Gene: EVC (EvC ciliary complex subunit 1; plus strand). Cytogenetic location: 4p16.2.
Variant type: Deletion.
Coding change: c.2097+2del on transcript NM_153717.3 (MANE Select); the canonical splice donor site of the intron after coding-DNA position 2097, one base deleted (T; older notation c.2097+2delT).
Molecular consequence: splice donor variant.
Genome position (GRCh38, 1-based): chr4:5,797,234, T deleted. VCF-style (leftmost placement, unchanged base first): chr4-5797233-GT-G. GRCh37 (hg19) VCF-style: chr4-5798960-GT-G.
Other names: c.2097+2del (NM_001306090.2).
Identifiers: ClinVar variation 1491559 (VCV001491559.9), dbSNP rs2152340942, ClinGen allele CA2573138286.